The following is an entry in ClinVar:

ClinVar aggregate classification (germline): Likely benign. Review status: criteria provided, multiple submitters, no conflicts (2 of 4 stars). 4 submissions from 4 submitters: Likely benign (3). 1 of the submissions does not count toward it. Last evaluated 2026-05-01.

Conditions:
WWOX-related disorder. Also called: WWOX-related condition.
Developmental and epileptic encephalopathy, 1 (DEE1). Also called: Epileptic encephalopathy, early infantile, 1; X-linked infantile spasms; West's syndrome; Tonic spasms with clustering, arrest of psychomotor development and hypsarrhythmia on EEG; X-Linked Infantile Spasm Syndrome; OHTAHARA SYNDROME, X-LINKED. Identifiers: MedGen C3463992, MONDO:0010632, OMIM 308350. Disease mechanism: loss of function.
Autosomal recessive spinocerebellar ataxia 12. Also called: SPINOCEREBELLAR ATAXIA WITH MENTAL RETARDATION AND EPILEPSY. Identifiers: Orphanet 284282, MedGen C3280452, MONDO:0013687, OMIM 614322.

Allele frequency attached by ClinVar (database versions not stated): gnomAD exomes 0.00001 and 0.00002; ExAC 0.00006; gnomAD 0.00011 and 0.00012; ESP Exome Variant Server 0.00016; TOPMed 0.00016.
gnomAD v4.1: 35 of 1,613,632 alleles (0.0022%); highest among the groups gnomAD compares: African/African-American, 0.039%; no homozygotes.

Submissions (4):

CeGaT Center for Human Genetics Tuebingen
Classification: Likely benign. Last evaluated: 2026-05-01. Review status: criteria provided, single submitter. Criteria: CeGaT Center For Human Genetics Tuebingen Variant Classification Criteria Version 2. Collection method: clinical testing. Allele origin: germline. Affected: yes. Observed: 1 variant allele.
Comment: WWOX: BP4, BP7

Labcorp Genetics (formerly Invitae), Labcorp
Classification: Likely benign for Developmental and epileptic encephalopathy, 1; Autosomal recessive spinocerebellar ataxia 12. Last evaluated: 2025-05-22. Review status: criteria provided, single submitter. Criteria: Invitae Variant Classification Sherloc (09022015). Collection method: clinical testing. Allele origin: germline.

Breakthrough Genomics
Classification: Likely benign. Review status: criteria provided, single submitter. Criteria: ACMG Guidelines, 2015. Collection method: not provided. Allele origin: germline. Inheritance: Autosomal recessive inheritance. Affected: yes.

PreventionGenetics, part of Exact Sciences
Classification: Likely benign for WWOX-related condition. Last evaluated: 2019-12-18. Review status: no assertion criteria provided. Collection method: clinical testing. Allele origin: germline. Not counted in ClinVar's aggregate classification.
Comment: This variant is classified as likely benign based on ACMG/AMP sequence variant interpretation guidelines (Richards et al. 2015 PMID: 25741868, with internal and published modifications).

NM_016373.4(WWOX):c.786C>T (p.Ser262=)

Gene: WWOX (WW domain containing oxidoreductase; plus strand). Cytogenetic location: 16q23.1.
Variant type: single nucleotide variant.
Coding change: c.786C>T on transcript NM_016373.4 (MANE Select); coding-DNA position 786, C replaced by T.
Protein change: p.Ser262=; no amino-acid change (serine 262 retained).
Molecular consequence: synonymous variant.
Genome position (GRCh38, 1-based): chr16:78,425,050, C>T. VCF-style: chr16-78425050-C-T. GRCh37 (hg19) VCF-style: chr16-78458947-C-T.
Other names: c.447C>T, p.Ser149= (NM_001291997.2).
Identifiers: ClinVar variation 698632 (VCV000698632.16), dbSNP rs376709568, ClinGen allele CA8183455.